The following is an entry in ClinVar:

NM_012233.3(RAB3GAP1):c.1630A>G (p.Ile544Val)

Gene: RAB3GAP1 (RAB3 GTPase activating protein catalytic subunit 1; plus strand). Cytogenetic location: 2q21.3.
Variant type: single nucleotide variant.
Coding change: c.1630A>G on transcript NM_012233.3 (MANE Select); coding-DNA position 1630, A replaced by G.
Protein change: p.Ile544Val; replaces isoleucine 544 with valine.
Molecular consequence: missense variant.
Genome position (GRCh38, 1-based): chr2:135,135,639, A>G. VCF-style: chr2-135135639-A-G. GRCh37 (hg19) VCF-style: chr2-135893209-A-G.
Other names: c.1630A>G, p.Ile544Val (NM_001172435.2); c.1630A>G (NM_012233.2); short protein forms I544V.
Identifiers: ClinVar variation 2230759 (VCV002230759.6), dbSNP rs777707365, ClinGen allele CA1884895.

ClinVar aggregate classification (germline): Uncertain significance. Review status: criteria provided, multiple submitters, no conflicts (2 of 4 stars). 2 submissions from 2 submitters: Uncertain significance (2). Last evaluated 2022-08-01.

Conditions:
Inborn genetic diseases. Identifiers: MedGen C0950123, MeSH D030342.

Allele frequency attached by ClinVar (database versions not stated): gnomAD 0.00001; ExAC 0.00002.
gnomAD v4.1: 7 of 1,613,014 alleles (0.00043%); highest among the groups gnomAD compares: Admixed American, 0.0084%; no homozygotes.

Submissions (2):

Labcorp Genetics (formerly Invitae), Labcorp
Classification: Uncertain significance. Last evaluated: 2022-08-01. Review status: criteria provided, single submitter. Criteria: Invitae Variant Classification Sherloc (09022015). Collection method: clinical testing. Allele origin: germline.
Comment: This sequence change replaces isoleucine, which is neutral and non-polar, with valine, which is neutral and non-polar, at codon 544 of the RAB3GAP1 protein (p.Ile544Val). This variant is present in population databases (rs777707365, gnomAD 0.02%). In summary, the available evidence is currently insufficient to determine the role of this variant in disease. Therefore, it has been classified as a Variant of Uncertain Significance. Algorithms developed to predict the effect of missense changes on protein structure and function output the following: SIFT: "Tolerated"; PolyPhen-2: "Benign"; Align-GVGD: "Class C0". The valine amino acid residue is found in multiple mammalian species, which suggests that this missense change does not adversely affect protein function. This variant has not been reported in the literature in individuals affected with RAB3GAP1-related conditions.

Ambry Genetics
Classification: Uncertain significance for Inborn genetic diseases. Last evaluated: 2021-05-25. Review status: criteria provided, single submitter. Criteria: Ambry Variant Classification Scheme 2023. Collection method: clinical testing. Allele origin: germline.